The following is an entry in ClinVar:

ClinVar aggregate classification (germline): Uncertain significance (1 of 4 stars; one submission).

Conditions:
Wilson disease (WND). Also called: Wilson's disease. Identifiers: Orphanet 905, MedGen C0019202, MONDO:0010200, OMIM 277900. Disease mechanism: loss of function.

Submission:

All of Us Research Program, National Institutes of Health
Classification: Uncertain significance for Wilson disease. Last evaluated: 2024-06-09. Review status: criteria provided, single submitter. Criteria: ACMG Guidelines, 2015. Collection method: clinical testing. Allele origin: germline. Inheritance: Autosomal recessive inheritance. Observed: 1 variant allele, 1 heterozygote.
Comment: This variant causes a C to G nucleotide substitution at the -9 position of intron 14/20 of the ATP7B gene. Splice site prediction tools suggest that this variant may have a significant impact on RNA splicing. This variant is predicted to create a cryptic splice acceptor site that causes out-of-frame splicing. To our knowledge, functional studies have not been reported for this variant. This variant has not been reported in individuals affected with ATP7B-related disorders in the literature. This variant has not been identified in the general population by the Genome Aggregation Database (gnomAD). Although there is a suspicion that this variant may be associated with disease, additional published RNA, functional and/or clinical studies are necessary to determine the role of this variant in disease conclusively. Therefore, this variant is classified as a Variant of Uncertain Significance.

This study involves interpretation of variants in research participants for the purpose of population health screening. Participant phenotype was not available at the time of variant classification. Additional details can be found in publication PMID: 35346344, PMCID: PMC8962531

NM_000053.4(ATP7B):c.3244-9C>G

Gene: ATP7B (ATPase copper transporting beta; minus strand). Cytogenetic location: 13q14.3.
Variant type: single nucleotide variant.
Coding change: c.3244-9C>G on transcript NM_000053.4 (MANE Select); 9 bases into the intron before coding-DNA position 3244, C replaced by G.
Molecular consequence: intron variant.
Genome position (GRCh38, 1-based): chr13:51,942,563, G>C on the plus strand (C>G on the coding strand, the complement: ATP7B is on the minus strand). VCF-style: chr13-51942563-G-C. GRCh37 (hg19) VCF-style: chr13-52516699-G-C.
Other names: c.2758-9C>G (NM_001406541.1, NM_001406542.1); c.2992-9C>G (NM_001406531.1, NM_001406532.1, NM_001330579.2); c.3010-9C>G (NM_001406527.1, NM_001406528.1, NM_001406538.1 and 1 more transcripts); c.2905-9C>G (NM_001406537.1); c.3100-9C>G (NM_001406521.1, NM_001406522.1, NM_001406520.1); c.3238-9C>G (NM_001406513.1); c.3244-9C>G (NM_001406511.1, NM_001406512.1, NM_001406526.1); c.2896-9C>G (NM_001406543.1); and 19 more.
Identifiers: ClinVar variation 3387513 (VCV003387513.1).
Genomic context (GRCh38, chr13:51,942,563, plus strand): 5'-CTGGCACTGCCTGGAAGTCCGTGCAGTATCCCAAGGTCTCTGTTCCAAGTTCCTGGGAAG[G>C]TGGAAAGAGAGGAAGAGGAAACTGTAAGCCAAGAGGGGTGAAGTGAAAGGGAGGGGCAGG-3'